The following is an entry in ClinVar:

ClinVar aggregate classification (germline): Uncertain significance (1 of 4 stars; one submission).

Allele frequency attached by ClinVar (database versions not stated): gnomAD exomes 0.00001; TOPMed 0.00001; ExAC 0.00003; gnomAD 0.00003; 1000 Genomes Project 30x 0.00016; 1000 Genomes Project 0.00020.
gnomAD v4.1: 15 of 1,614,070 alleles (0.00093%); highest among the groups gnomAD compares: South Asian, 0.0088%; no homozygotes.

Submission:

Women's Health and Genetics/Laboratory Corporation of America, LabCorp
Classification: Uncertain significance. Last evaluated: 2024-03-26. Review status: criteria provided, single submitter. Criteria: LabCorp Variant Classification Summary - May 2015. Collection method: clinical testing. Allele origin: germline.
Comment: Variant summary: ZFHX3 c.2815G>A (p.Asp939Asn) results in a conservative amino acid change in the encoded protein sequence. Three of five in-silico tools predict a damaging effect of the variant on protein function. The variant allele was found at a frequency of 4.8e-05 in 251214 control chromosomes. This frequency does not allow conclusion about variant significance. To our knowledge, no occurrence of c.2815G>A in individuals affected with Spinocerebellar Ataxia Type 4 and no experimental evidence demonstrating its impact on protein function have been reported. No submitters have cited clinical-significance assessments for this variant to ClinVar. Based on the evidence outlined above, the variant was classified as uncertain significance.

NM_006885.4(ZFHX3):c.2815G>A (p.Asp939Asn)

Gene: ZFHX3 (zinc finger homeobox 3; minus strand). Cytogenetic location: 16q22.3.
Variant type: single nucleotide variant.
Coding change: c.2815G>A on transcript NM_006885.4 (MANE Select); coding-DNA position 2815, G replaced by A.
Protein change: p.Asp939Asn; replaces aspartic acid 939 with asparagine.
Molecular consequence: missense variant.
Genome position (GRCh38, 1-based): chr16:72,950,870, C>T on the plus strand (G>A on the coding strand, the complement: ZFHX3 is on the minus strand). VCF-style: chr16-72950870-C-T. GRCh37 (hg19) VCF-style: chr16-72984769-C-T.
Other names: c.73G>A, p.Asp25Asn (NM_001164766.2); c.2815G>A, p.Asp939Asn (NM_001386735.1); short protein forms D25N, D939N.
Identifiers: ClinVar variation 3233763 (VCV003233763.2), dbSNP rs200792812, ClinGen allele CA8164276.
Genomic context (GRCh38, chr16:72,950,870, plus strand): 5'-CCAGGTTGTCCGTCGTGAACTTGTTGCAGACGGCGCACTGGAAGAGCTTCAGCGACGGGT[C>T]GTTGGTCTGGATGAAGCTCTCGCCCAGGTTCATCAGCTCCTCTGACACCAGCTGCCCGCC-3'
Protein context (NP_008816.3, residues 929-949): NLGESFIQTN[Asp939Asn]PSLKLFQCAV